The following is an entry in ClinVar:

ClinVar aggregate classification (germline): Uncertain significance. Review status: criteria provided, multiple submitters, no conflicts (2 of 4 stars). 2 submissions from 2 submitters: Uncertain significance (2). Last evaluated 2022-05-04.

Conditions:
Charcot-Marie-Tooth disease type 4. Also called: Charcot-Marie-Tooth disease, type IV; Charcot-Marie-Tooth, Type 4. Identifiers: Orphanet 64749, MedGen C4082197, MONDO:0018995.
Inborn genetic diseases. Identifiers: MedGen C0950123, MeSH D030342.

Allele frequency attached by ClinVar (database versions not stated): TOPMed below 0.00001.

Submissions (2):

Labcorp Genetics (formerly Invitae), Labcorp
Classification: Uncertain significance for Charcot-Marie-Tooth disease type 4. Last evaluated: 2022-05-04. Review status: criteria provided, single submitter. Criteria: Invitae Variant Classification Sherloc (09022015). Collection method: clinical testing. Allele origin: germline.
Comment: This variant has not been reported in the literature in individuals affected with FIG4-related conditions. Algorithms developed to predict the effect of missense changes on protein structure and function (SIFT, PolyPhen-2, Align-GVGD) all suggest that this variant is likely to be tolerated. In summary, the available evidence is currently insufficient to determine the role of this variant in disease. Therefore, it has been classified as a Variant of Uncertain Significance. This variant is not present in population databases (gnomAD no frequency). This sequence change replaces cysteine, which is neutral and slightly polar, with arginine, which is basic and polar, at codon 652 of the FIG4 protein (p.Cys652Arg).

Ambry Genetics
Classification: Uncertain significance for Inborn genetic diseases. Last evaluated: 2020-02-25. Review status: criteria provided, single submitter. Criteria: Ambry Variant Classification Scheme 2023. Collection method: clinical testing. Allele origin: germline.
Comment: The p.C652R variant (also known as c.1954T>C), located in coding exon 18 of the FIG4 gene, results from a T to C substitution at nucleotide position 1954. The cysteine at codon 652 is replaced by arginine, an amino acid with highly dissimilar properties. This amino acid position is well conserved in available vertebrate species. In addition, the in silico prediction for this alteration is inconclusive. Since supporting evidence is limited at this time, the clinical significance of this alteration remains unclear.

NM_014845.6(FIG4):c.1954T>C (p.Cys652Arg)

Gene: FIG4 (FIG4 phosphoinositide 5-phosphatase; plus strand). Cytogenetic location: 6q21.
Variant type: single nucleotide variant.
Coding change: c.1954T>C on transcript NM_014845.6 (MANE Select); coding-DNA position 1954, T replaced by C.
Protein change: p.Cys652Arg; replaces cysteine 652 with arginine.
Molecular consequence: missense variant.
Genome position (GRCh38, 1-based): chr6:109,786,307, T>C. VCF-style: chr6-109786307-T-C. GRCh37 (hg19) VCF-style: chr6-110107510-T-C.
Other names: short protein forms C652R.
Identifiers: ClinVar variation 1783286 (VCV001783286.6), dbSNP rs1777954201, ClinGen allele CA365231694.